The following is an entry in ClinVar:

NM_024721.5(ZFHX4):c.10143C>A (p.Pro3381=)

Gene: ZFHX4 (zinc finger homeobox 4; plus strand). Cytogenetic location: 8q21.13.
Variant type: single nucleotide variant.
Coding change: c.10143C>A on transcript NM_024721.5 (MANE Select); coding-DNA position 10143, C replaced by A.
Protein change: p.Pro3381=; no amino-acid change (proline 3381 retained).
Molecular consequence: synonymous variant.
Genome position (GRCh38, 1-based): chr8:76,863,857, C>A. VCF-style: chr8-76863857-C-A. GRCh37 (hg19) VCF-style: chr8-77776093-C-A.
Other names: c.10065C>A, p.Pro3355= (NM_001410934.1).
Identifiers: ClinVar variation 4872558 (VCV004872558.2).

ClinVar aggregate classification (germline): Likely benign (1 of 4 stars; one submission).

gnomAD v4.1: 41 of 1,556,718 alleles (0.0026%); highest among the groups gnomAD compares: Admixed American, 0.078%; no homozygotes.

Submission:

CeGaT Center for Human Genetics Tuebingen
Classification: Likely benign. Last evaluated: 2026-08-01. Review status: criteria provided, single submitter. Criteria: CeGaT Center For Human Genetics Tuebingen Variant Classification Criteria Version 2. Collection method: clinical testing. Allele origin: germline. Affected: yes. Observed: 2 variant alleles.
Comment: ZFHX4: BP4, BP7